The following is an entry in ClinVar:

NM_024570.4(RNASEH2B):c.623A>G (p.Tyr208Cys)

Gene: RNASEH2B (ribonuclease H2 subunit B; plus strand). Cytogenetic location: 13q14.3.
Variant type: single nucleotide variant.
Coding change: c.623A>G on transcript NM_024570.4 (MANE Select); coding-DNA position 623, A replaced by G.
Protein change: p.Tyr208Cys; replaces tyrosine 208 with cysteine.
Molecular consequence: missense variant.
Genome position (GRCh38, 1-based): chr13:50,947,993, A>G. VCF-style: chr13-50947993-A-G. GRCh37 (hg19) VCF-style: chr13-51522129-A-G.
Other names: c.623A>G, p.Tyr208Cys (NM_001142279.2); short protein forms Y208C.
Identifiers: ClinVar variation 1410053 (VCV001410053.4), dbSNP rs2138000084, ClinGen allele CA388259786.

ClinVar aggregate classification (germline): Uncertain significance (1 of 4 stars; one submission).

Conditions:
Aicardi-Goutieres syndrome 2. Identifiers: Orphanet 51, MedGen C3489724, MONDO:0012429, OMIM 610181.

Allele frequency attached by ClinVar (database versions not stated): gnomAD exomes below 0.00001.
gnomAD v4.1: 1 of 1,609,488 alleles (0.000062%); highest among the groups gnomAD compares: Non-Finnish European, 0.000085%; no homozygotes.

Submission:

Labcorp Genetics (formerly Invitae), Labcorp
Classification: Uncertain significance for Aicardi-Goutieres syndrome 2. Last evaluated: 2024-10-16. Review status: criteria provided, single submitter. Criteria: Invitae Variant Classification Sherloc (09022015). Collection method: clinical testing. Allele origin: germline.
Comment: This sequence change replaces tyrosine, which is neutral and polar, with cysteine, which is neutral and slightly polar, at codon 208 of the RNASEH2B protein (p.Tyr208Cys). This variant is not present in population databases (gnomAD no frequency). This variant has not been reported in the literature in individuals affected with RNASEH2B-related conditions. ClinVar contains an entry for this variant (Variation ID: 1410053). Invitae Evidence Modeling of protein sequence and biophysical properties (such as structural, functional, and spatial information, amino acid conservation, physicochemical variation, residue mobility, and thermodynamic stability) has been performed for this missense variant. However, the output from this modeling did not meet the statistical confidence thresholds required to predict the impact of this variant on RNASEH2B protein function. In summary, the available evidence is currently insufficient to determine the role of this variant in disease. Therefore, it has been classified as a Variant of Uncertain Significance.